The following is an entry in ClinVar:

ClinVar aggregate classification (germline): Uncertain significance (1 of 4 stars; one submission).

gnomAD v4.1: 4 of 1,613,852 alleles (0.00025%); highest among the groups gnomAD compares: African/African-American, 0.004%; no homozygotes.

Submission:

GeneDx
Classification: Uncertain significance. Last evaluated: 2024-06-13. Review status: criteria provided, single submitter. Criteria: GeneDx Variant Classification Process June 2021. Collection method: clinical testing. Allele origin: germline. Affected: yes.
Comment: Not observed at significant frequency in large population cohorts (gnomAD); In silico analysis supports that this missense variant has a deleterious effect on protein structure/function; Has not been previously published as pathogenic or benign to our knowledge

NM_152268.4(PARS2):c.1108T>C (p.Tyr370His)

Gene: PARS2 (prolyl-tRNA synthetase 2, mitochondrial; minus strand). Cytogenetic location: 1p32.3.
Variant type: single nucleotide variant.
Coding change: c.1108T>C on transcript NM_152268.4 (MANE Select); coding-DNA position 1108, T replaced by C.
Protein change: p.Tyr370His; replaces tyrosine 370 with histidine.
Molecular consequence: missense variant.
Genome position (GRCh38, 1-based): chr1:54,758,054, A>G on the plus strand (T>C on the coding strand, the complement: PARS2 is on the minus strand). VCF-style: chr1-54758054-A-G. GRCh37 (hg19) VCF-style: chr1-55223727-A-G.
Other names: short protein forms Y370H.
Identifiers: ClinVar variation 3390393 (VCV003390393.1).